The following is an entry in ClinVar:

NM_012193.4(FZD4):c.1188_1192del (p.Phe396fs)

Genes: FZD4 (frizzled class receptor 4; minus strand), PRSS23 (serine protease 23; plus strand). Cytogenetic location: 11q14.2.
Variant type: Deletion.
Coding change: c.1188_1192del on transcript NM_012193.4 (MANE Select); coding-DNA positions 1188 to 1192, 5 bases deleted (TACTT; older notation c.1188_1192delTACTT).
Protein change: p.Phe396fs; shifts the reading frame from phenylalanine 396.
Molecular consequence: frameshift variant. On other transcripts: non-coding transcript variant (2).
Genome position (GRCh38, 1-based): chr11:86,951,564-86,951,568, AAGTA deleted on the plus strand (TACTT on the coding strand, the reverse complement: FZD4 is on the minus strand); deleting any 5 consecutive bases within chr11:86,951,564-86,951,571 gives the same sequence; the c. name uses the placement nearest the transcript's 3' end. VCF-style (leftmost placement, unchanged base first): chr11-86951563-TAAGTA-T. GRCh37 (hg19) VCF-style: chr11-86662605-TAAGTA-T.
Other names: short protein forms F396fs.
Identifiers: ClinVar variation 2169558 (VCV002169558.5), dbSNP rs2495866336, ClinGen allele CA2580085009.

ClinVar aggregate classification (germline): Pathogenic. Review status: criteria provided, multiple submitters, no conflicts (2 of 4 stars). 2 submissions from 2 submitters: Pathogenic (2). Last evaluated 2025-09-03.

Submissions (2):

GeneDx
Classification: Pathogenic. Last evaluated: 2025-09-03. Review status: criteria provided, single submitter. Criteria: GeneDx Variant Classification Process June 2021. Collection method: clinical testing. Allele origin: germline. Affected: yes.
Comment: Previously reported in association with autosomal dominant familial exudative vitreoretinopathy (FEVR) (PMID: 30452590); Published functional studies demonstrate the variant results in reduced protein function (PMID: 30452590); Not observed at significant frequency in large population cohorts (gnomAD); Frameshift variant predicted to result in abnormal protein length as the last 142 amino acid(s) are replaced with 60 different amino acid(s), and other similar variants have been reported in HGMD; This variant is associated with the following publications: (PMID: 35876299, 33090715, 30820142, 32238352, 30452590, 36729443)

Labcorp Genetics (formerly Invitae), Labcorp
Classification: Pathogenic. Last evaluated: 2025-07-03. Review status: criteria provided, single submitter. Criteria: Invitae Variant Classification Sherloc (09022015). Collection method: clinical testing. Allele origin: germline.
Comment: This sequence change creates a premature translational stop signal (p.Phe396Leufs*61) in the FZD4 gene. While this is not anticipated to result in nonsense mediated decay, it is expected to disrupt the last 142 amino acid(s) of the FZD4 protein. This variant is not present in population databases (gnomAD no frequency). This premature translational stop signal has been observed in individual(s) with familial exudative vitreoretinopathy (PMID: 30452590). ClinVar contains an entry for this variant (Variation ID: 2169558). Algorithms developed to predict the effect of variants on gene product structure and function are not available or were not evaluated for this variant. Experimental studies have shown that this premature translational stop signal affects FZD4 function (PMID: 30820142). This variant disrupts a region of the FZD4 protein in which other variant(s) (p.Gln505*) have been determined to be pathogenic (PMID: 15223780, 23077402). This suggests that this is a clinically significant region of the protein, and that variants that disrupt it are likely to be disease-causing. For these reasons, this variant has been classified as Pathogenic.

Literature cited by the submitters: PubMed 30452590 (cited by Labcorp Genetics (formerly Invitae), Labcorp); PubMed 30820142 (cited by Labcorp Genetics (formerly Invitae), Labcorp); PubMed 15223780 (cited by Labcorp Genetics (formerly Invitae), Labcorp); PubMed 23077402 (cited by Labcorp Genetics (formerly Invitae), Labcorp).